The following is an entry in ClinVar:

ClinVar aggregate classification (germline): Likely benign. Review status: reviewed by expert panel (3 of 4 stars). 4 submissions from 4 submitters: Likely benign (1). 3 of the submissions do not count toward it. Last evaluated 2021-06-22.

Conditions:
Hereditary thrombocytopenia and hematologic cancer predisposition syndrome. Identifiers: Orphanet 71290, MedGen CN281654, MONDO:0011071.
Inborn genetic diseases. Identifiers: MedGen C0950123, MeSH D030342.
Hereditary thrombocytopenia and hematological cancer predisposition syndrome associated with RUNX1. Also called: PLATELET DISORDER, ASPIRIN-LIKE; Familial Platelet Disorder with Propensity to Acute Myelogenous Leukemia; Familial thrombocytopenia with propensity to acute myelogenous leukemia; RUNX1 Familial Platelet Disorder with Associated Myeloid Malignancies. Identifiers: Orphanet 71290, MedGen C1832388, MeSH C563324, MONDO:0100083, OMIM 601399.

Allele frequency attached by ClinVar (database versions not stated): gnomAD below 0.00001 and 0.00002; TOPMed below 0.00001; ExAC 0.00012; gnomAD exomes 0.00013.
gnomAD v4.1: 121 of 1,614,036 alleles (0.0075%); highest among the groups gnomAD compares: South Asian, 0.13%; 2 homozygotes.

Submissions (4):

ClinGen Myeloid Malignancy Variant Curation Expert Panel
Classification: Likely benign for Hereditary thrombocytopenia and hematologic cancer predisposition syndrome. Last evaluated: 2021-06-22. Review status: reviewed by expert panel. Criteria: ClinGen MyeloMalig ACMG Specifications v2. Collection method: curation. Allele origin: germline. Inheritance: Autosomal dominant inheritance.
Comment: The c.393T>C predicts a synonymous change, Thr131= variant and has an MAF of 0.001013 (0.1%, 31/30616 alleles) in the African subpopulation of the gnomAD v2.1.1 cohort and is >= 0.00015 (0.015%) (BS1). This variant is detected in a homozygous state in 1 individual in the gnomAD v2.1.1 population database (BP2). This synonymous variant is predicted by SSF and MES to lead to either an increase in the canonical splice site score or a decrease of the canonical splice site score by no more than 10% and no putative cryptic splice sites are created (BP4). In addition, evolutionary conservation prediction algorithms predict the site as not being highly conserved (PhyloP score -4.47871 < 0.1) (BP7). In summary, this variant meets criteria to be classified as likely benign. ACMG/AMP criteria applied, as specified by the Myeloid Malignancy Variant Curation Expert Panel for RUNX1: BS1, BP2, BP4, BP7.

Labcorp Genetics (formerly Invitae), Labcorp
Classification: Benign for Hereditary thrombocytopenia and hematological cancer predisposition syndrome associated with RUNX1. Last evaluated: 2025-12-15. Review status: criteria provided, single submitter. Criteria: Invitae Variant Classification Sherloc (09022015). Collection method: clinical testing. Allele origin: germline. Not counted in ClinVar's aggregate classification.

Blueprint Genetics
Classification: Likely benign. Last evaluated: 2024-08-29. Review status: criteria provided, single submitter. Criteria: ACMG Guidelines, 2015. Collection method: clinical testing. Allele origin: germline. Not counted in ClinVar's aggregate classification.

Ambry Genetics
Classification: Likely benign for Inborn genetic diseases. Last evaluated: 2024-08-21. Review status: criteria provided, single submitter. Criteria: Ambry Variant Classification Scheme 2023. Collection method: clinical testing. Allele origin: germline. Not counted in ClinVar's aggregate classification.

NM_001754.5(RUNX1):c.393T>C (p.Thr131=)

Genes: RUNX1 (RUNX family transcription factor 1; minus strand), RUNX1-AS1 (RUNX1 antisense RNA 1; plus strand). Cytogenetic location: 21q22.12.
Variant type: single nucleotide variant.
Coding change: c.393T>C on transcript NM_001754.5 (MANE Select); coding-DNA position 393, T replaced by C.
Protein change: p.Thr131=; no amino-acid change (threonine 131 retained).
Molecular consequence: synonymous variant.
Genome position (GRCh38, 1-based): chr21:34,880,672, A>G on the plus strand (T>C on the coding strand, the complement: RUNX1 is on the minus strand). VCF-style: chr21-34880672-A-G. GRCh37 (hg19) VCF-style: chr21-36252969-A-G.
Other names: NM_001754.4(RUNX1):c.393T>C; p.Thr131=; c.312T>C, p.Thr104= (NM_001001890.3, NM_001122607.2).
Identifiers: ClinVar variation 697148 (VCV000697148.14), dbSNP rs746650216, ClinGen allele CA10014522.